The following is an entry in ClinVar:

ClinVar aggregate classification (germline): Uncertain significance (1 of 4 stars; one submission).

Conditions:
VPS13B-related disorder. Also called: VPS13B-related condition.

gnomAD v4.1: 2 of 1,613,926 alleles (0.00012%); highest among the groups gnomAD compares: Non-Finnish European, 0.000085%; no homozygotes.

Submission:

PreventionGenetics, part of Exact Sciences
Classification: Uncertain significance for VPS13B-related condition. Last evaluated: 2025-02-11. Review status: criteria provided, single submitter. Criteria: ACMG Guidelines, 2015. Collection method: clinical testing. Allele origin: germline.
Comment: The VPS13B c.7615A>G variant is predicted to result in the amino acid substitution p.Met2539Val. To our knowledge, this variant has not been reported in the literature or in a large population database (gnomAD), indicating this variant is rare. At this time, the clinical significance of this variant is uncertain due to the absence of conclusive functional and genetic evidence.

NM_152564.5(VPS13B):c.7615A>G (p.Met2539Val)

Gene: VPS13B (vacuolar protein sorting 13 homolog B; plus strand). Cytogenetic location: 8q22.2.
Variant type: single nucleotide variant.
Coding change: c.7615A>G on transcript NM_152564.5 (MANE Select); coding-DNA position 7615, A replaced by G.
Protein change: p.Met2539Val; replaces methionine 2539 with valine.
Molecular consequence: missense variant.
Genome position (GRCh38, 1-based): chr8:99,778,867, A>G. VCF-style: chr8-99778867-A-G. GRCh37 (hg19) VCF-style: chr8-100791095-A-G.
Other names: c.7690A>G, p.Met2564Val (NM_017890.5); short protein forms M2564V, M2539V.
Identifiers: ClinVar variation 4999576 (VCV004999576.1).
Genomic context (GRCh38, chr8:99,778,867, plus strand): 5'-CAGGAGATCCAGTTCTTAGCTCAAGCAGACTGTAAACTTCTAGAGTGCAGAAATGTCACT[A>G]TGCAAAGTGTGGTGAAACCCTTCAGCATCTTCGGGCAGATGGCAGTTTCCAGCGATGTAG-3'
Protein context (NP_689777.3, residues 2529-2549): CKLLECRNVT[Met2539Val]QSVVKPFSIF